The following is an entry in ClinVar:

NM_001371986.1(UNC80):c.2464G>A (p.Val822Ile)

Gene: UNC80 (unc-80 subunit of NALCN channel complex; plus strand). Cytogenetic location: 2q34.
Variant type: single nucleotide variant.
Coding change: c.2464G>A on transcript NM_001371986.1 (MANE Select); coding-DNA position 2464, G replaced by A.
Protein change: p.Val822Ile; replaces valine 822 with isoleucine.
Molecular consequence: missense variant. On other transcripts: splice donor variant (1).
Genome position (GRCh38, 1-based): chr2:209,826,039, G>A. VCF-style: chr2-209826039-G-A. GRCh37 (hg19) VCF-style: chr2-210690763-G-A.
Other names: c.2464G>A, p.Val822Ile (NM_032504.2); c.2463+1G>A (NM_182587.4); short protein forms V822I.
Identifiers: ClinVar variation 1995285 (VCV001995285.4), dbSNP rs1351087773, ClinGen allele CA350137454.

ClinVar aggregate classification (germline): Uncertain significance (1 of 4 stars; one submission).

Allele frequency attached by ClinVar (database versions not stated): TOPMed below 0.00001.
gnomAD v4.1: 3 of 1,548,838 alleles (0.00019%); highest among the groups gnomAD compares: Non-Finnish European, 0.00026%; no homozygotes.

Submission:

Labcorp Genetics (formerly Invitae), Labcorp
Classification: Uncertain significance. Last evaluated: 2022-05-16. Review status: criteria provided, single submitter. Criteria: Invitae Variant Classification Sherloc (09022015). Collection method: clinical testing. Allele origin: germline.
Comment: This sequence change replaces valine, which is neutral and non-polar, with isoleucine, which is neutral and non-polar, at codon 822 of the UNC80 protein (p.Val822Ile). In summary, the available evidence is currently insufficient to determine the role of this variant in disease. Therefore, it has been classified as a Variant of Uncertain Significance. Algorithms developed to predict the effect of sequence changes on RNA splicing suggest that this variant may create or strengthen a splice site. Algorithms developed to predict the effect of missense changes on protein structure and function are either unavailable or do not agree on the potential impact of this missense change (SIFT: "Not Available"; PolyPhen-2: "Benign"; Align-GVGD: "Not Available"). This variant has not been reported in the literature in individuals affected with UNC80-related conditions. This variant is not present in population databases (gnomAD no frequency).